The following is an entry in ClinVar:

ClinVar aggregate classification (germline): Uncertain significance. Review status: criteria provided, multiple submitters, no conflicts (2 of 4 stars). 3 submissions from 3 submitters: Uncertain significance (3). Last evaluated 2026-03-18.

Conditions:
Hereditary cancer-predisposing syndrome. Also called: Hereditary neoplastic syndrome; Neoplastic Syndromes, Hereditary; Tumor predisposition; Hereditary Cancer Syndrome. Identifiers: Orphanet 140162, MedGen C0027672, MeSH D009386, MONDO:0015356.

Allele frequency attached by ClinVar (database versions not stated): gnomAD exomes below 0.00001.
gnomAD v4.1: 2 of 1,612,044 alleles (0.00012%); highest among the groups gnomAD compares: Non-Finnish European, 0.00017%; no homozygotes.

Submissions (3):

Ambry Genetics
Classification: Uncertain significance for Hereditary cancer-predisposing syndrome. Last evaluated: 2026-03-18. Review status: criteria provided, single submitter. Criteria: Ambry Variant Classification Scheme 2023. Collection method: clinical testing. Allele origin: germline.
Comment: The p.P452L variant (also known as c.1355C>T), located in coding exon 13 of the POLE gene, results from a C to T substitution at nucleotide position 1355. The proline at codon 452 is replaced by leucine, an amino acid with similar properties. This amino acid position is highly conserved in available vertebrate species. In addition, the in silico prediction for this alteration is inconclusive. Based on the available evidence, the clinical significance of this variant remains unclear.

Labcorp Genetics (formerly Invitae), Labcorp
Classification: Uncertain significance. Last evaluated: 2023-10-08. Review status: criteria provided, single submitter. Criteria: Invitae Variant Classification Sherloc (09022015). Collection method: clinical testing. Allele origin: germline.
Comment: This sequence change replaces proline, which is neutral and non-polar, with leucine, which is neutral and non-polar, at codon 452 of the POLE protein (p.Pro452Leu). This variant is not present in population databases (gnomAD no frequency). This variant has not been reported in the literature in individuals affected with POLE-related conditions. ClinVar contains an entry for this variant (Variation ID: 1023379). Advanced modeling of protein sequence and biophysical properties (such as structural, functional, and spatial information, amino acid conservation, physicochemical variation, residue mobility, and thermodynamic stability) performed at Invitae indicates that this missense variant is expected to disrupt POLE protein function. In summary, the available evidence is currently insufficient to determine the role of this variant in disease. Therefore, it has been classified as a Variant of Uncertain Significance.

Quest Diagnostics Nichols Institute San Juan Capistrano
Classification: Uncertain significance. Last evaluated: 2021-04-04. Review status: criteria provided, single submitter. Criteria: Quest Diagnostics criteria. Collection method: clinical testing. Allele origin: unknown.

NM_006231.4(POLE):c.1355C>T (p.Pro452Leu)

Gene: POLE (DNA polymerase epsilon, catalytic subunit; minus strand). Cytogenetic location: 12q24.33.
Variant type: single nucleotide variant.
Coding change: c.1355C>T on transcript NM_006231.4 (MANE Select); coding-DNA position 1355, C replaced by T.
Protein change: p.Pro452Leu; replaces proline 452 with leucine.
Molecular consequence: missense variant.
Genome position (GRCh38, 1-based): chr12:132,673,579, G>A on the plus strand (C>T on the coding strand, the complement: POLE is on the minus strand). VCF-style: chr12-132673579-G-A. GRCh37 (hg19) VCF-style: chr12-133250165-G-A.
Other names: c.1355C>T (NM_006231.2); short protein forms P452L.
Identifiers: ClinVar variation 1023379 (VCV001023379.10), dbSNP rs2042979671, ClinGen allele CA387359069.